The following is an entry in ClinVar:

ClinVar aggregate classification (germline): Uncertain significance. Review status: criteria provided, multiple submitters, no conflicts (2 of 4 stars). 2 submissions from 2 submitters: Uncertain significance (2). Last evaluated 2025-08-20.

Conditions:
Dyskeratosis congenita, autosomal dominant 1 (DKCA1). Also called: Dyskeratosis congenita Scoggins type. Identifiers: Orphanet 1775, MedGen C4551974, MONDO:0007485, OMIM 127550. Inheritance: Variable.

Allele frequency attached by ClinVar (database versions not stated): gnomAD exomes below 0.00001.
gnomAD v4.1: 1 of 765,500 alleles (0.00013%); highest among the groups gnomAD compares: Non-Finnish European, 0.00024%; no homozygotes.

Submissions (2):

Victorian Clinical Genetics Services, Murdoch Childrens Research Institute
Classification: Uncertain significance for Dyskeratosis congenita, autosomal dominant 1. Last evaluated: 2025-08-20. Review status: criteria provided, single submitter. Criteria: ACMG Guidelines, 2015. Collection method: clinical testing. Allele origin: germline. Affected: yes.
Comment: This variant is classified as VUS-3A. Evidence in support of pathogenic classification: Variant is present in gnomAD <0.001 for a dominant condition (v4: 1 heterozygote(s), 0 homozygote(s)); Clinically accredited laboratory assay shows abnormal function of product not specific to the gene. Additional information: Non protein-coding variant without known or predicted effect; This variant is heterozygous; This gene is associated with autosomal dominant disease; Previous evidence of pathogenicity for this variant is inconclusive. This variant has been classified as a VUS by a clinical laboratory in ClinVar; No published segregation evidence has been identified for this variant; Another non protein-coding variant comparable to the one identified in this case has inconclusive previous evidence for pathogenicity. n.87C>T has been classified as VUS by a clinical laboratory in ClinVar; Variant is located in the annotated J2a/b loop within the pseudoknot domain (PMID: 21844345). The flexibility and directional bend of this 5 nucleotide loop has been shown to be important for TERC function, changing the length or orientation was shown to reduce telomerase activity (PMID: 20966348); Loss of function is a known mechanism of disease in this gene and is associated with dyskeratosis congenita, autosomal dominant 1 (MIM#127550) and pulmonary fibrosis and/or bone marrow failure syndrome, telomere-related, 2 (MIM#614743); The condition associated with this gene has incomplete penetrance (OMIM); Variants in this gene are known to have variable expressivity (OMIM); Parental origin of the variant is unresolved.

Labcorp Genetics (formerly Invitae), Labcorp
Classification: Uncertain significance for Dyskeratosis congenita, autosomal dominant 1. Last evaluated: 2020-10-18. Review status: criteria provided, single submitter. Criteria: Invitae Variant Classification Sherloc (09022015). Collection method: clinical testing. Allele origin: germline.
Comment: In summary, the available evidence is currently insufficient to determine the role of this variant in disease. Therefore, it has been classified as a Variant of Uncertain Significance. This variant is located within the template/pseudoknot domain of the TERC RNA component, which is required for RNA or RNP stability (PMID: 15082312, 21844345). A significant number of disease associated TERC variants are found in this region (PMID: 21931702). This variant has not been reported in the literature in individuals with TERC-related conditions. This variant is not present in population databases (ExAC no frequency). This variant occurs in the TERC gene, which encodes an RNA molecule that does not result in a protein product.

Literature cited by the submitters: PubMed 20966348 (cited by Victorian Clinical Genetics Services, Murdoch Childrens Research Institute); PubMed 21844345 (cited by Victorian Clinical Genetics Services, Murdoch Childrens Research Institute and Labcorp Genetics (formerly Invitae), Labcorp); PubMed 15082312 (cited by Labcorp Genetics (formerly Invitae), Labcorp); PubMed 21931702 (cited by Labcorp Genetics (formerly Invitae), Labcorp).

NR_001566.3(TERC):n.87C>G

Genes: TERC (telomerase RNA component; minus strand), LOC110806306 (telomerase RNA component (TERC) promoter; plus strand). Cytogenetic location: 3q26.2.
Variant type: single nucleotide variant.
Genome position: GRCh38 VCF-style: chr3-169764974-G-C. GRCh37 (hg19) VCF-style: chr3-169482762-G-C.
Identifiers: ClinVar variation 1039875 (VCV001039875.10), dbSNP rs1777963818, ClinGen allele CA436715846.
Genomic context (GRCh38, chr3:169,764,974, plus strand): 5'-AAGGCGGCAGGCCGAGGCTTTTCCGCCCGCTGAAAGTCAGCGAGAAAAACAGCGCGCGGG[G>C]AGCAAAAGCACGGCGCCTACGCCCTTCTCAGTTAGGGTTAGACAAAAAATGGCCACCACC-3'